The following is an entry in ClinVar:

ClinVar aggregate classification (germline): Uncertain significance (1 of 4 stars; one submission).

Conditions:
Inborn genetic diseases. Identifiers: MedGen C0950123, MeSH D030342.

gnomAD v4.1: 4 of 1,614,104 alleles (0.00025%); highest among the groups gnomAD compares: Non-Finnish European, 0.00025%; no homozygotes.

Submission:

Ambry Genetics
Classification: Uncertain significance for Inborn genetic diseases. Last evaluated: 2025-05-31. Review status: criteria provided, single submitter. Criteria: Ambry Variant Classification Scheme 2023. Collection method: clinical testing. Allele origin: germline.
Comment: The p.K344N variant (also known as c.1032G>T), located in coding exon 9 of the CEP57 gene, results from a G to T substitution at nucleotide position 1032. The lysine at codon 344 is replaced by asparagine, an amino acid with similar properties. This amino acid position is conserved. In addition, this alteration is predicted to be tolerated by in silico analysis. Based on the available evidence, the clinical significance of this variant remains unclear.

NM_014679.5(CEP57):c.1032G>T (p.Lys344Asn)

Gene: CEP57 (centrosomal protein 57; plus strand). Cytogenetic location: 11q21.
Variant type: single nucleotide variant.
Coding change: c.1032G>T on transcript NM_014679.5 (MANE Select); coding-DNA position 1032, G replaced by T.
Protein change: p.Lys344Asn; replaces lysine 344 with asparagine.
Molecular consequence: missense variant.
Genome position (GRCh38, 1-based): chr11:95,827,932, G>T. VCF-style: chr11-95827932-G-T. GRCh37 (hg19) VCF-style: chr11-95561096-G-T.
Other names: c.1005G>T, p.Lys335Asn (NM_001243776.2); c.954G>T, p.Lys318Asn (NM_001243777.2); c.951G>T, p.Lys317Asn (NM_001363604.2); short protein forms K318N, K335N, K344N, K317N.
Identifiers: ClinVar variation 4001068 (VCV004001068.1).